The following is an entry in ClinVar:

ClinVar aggregate classification (germline): Likely benign. Review status: criteria provided, multiple submitters, no conflicts (2 of 4 stars). 2 submissions from 2 submitters: Likely benign (2). Last evaluated 2018-06-16.

Allele frequency attached by ClinVar (database versions not stated): gnomAD 0.01086 and 0.01262; TOPMed 0.01105; 1000 Genomes Project 0.01817; 1000 Genomes Project 30x 0.01874.
gnomAD v4.1: 1,910 of 152,256 alleles (1.3%); highest among the groups gnomAD compares: South Asian, 6.2%; 25 homozygotes.

Submissions (2):

GeneDx
Classification: Likely benign. Last evaluated: 2018-06-16. Review status: criteria provided, single submitter. Criteria: GeneDx Variant Classification (06012015). Collection method: clinical testing. Allele origin: germline. Affected: yes.
Comment: This variant is considered likely benign or benign based on one or more of the following criteria: it is a conservative change, it occurs at a poorly conserved position in the protein, it is predicted to be benign by multiple in silico algorithms, and/or has population frequency not consistent with disease.

Breakthrough Genomics
Classification: Likely benign. Review status: criteria provided, single submitter. Criteria: ACMG Guidelines, 2015. Collection method: not provided. Allele origin: germline. Inheritance: Autosomal dominant inheritance. Affected: yes.

NM_001130438.3(SPTAN1):c.5734-234G>T

Gene: SPTAN1 (spectrin alpha, non-erythrocytic 1; plus strand). Cytogenetic location: 9q34.11.
Variant type: single nucleotide variant.
Coding change: c.5734-234G>T on transcript NM_001130438.3 (MANE Select); 234 bases into the intron before coding-DNA position 5734, G replaced by T.
Molecular consequence: intron variant.
Genome position (GRCh38, 1-based): chr9:128,620,924, G>T. VCF-style: chr9-128620924-G-T. GRCh37 (hg19) VCF-style: chr9-131383203-G-T.
Other names: c.5734-234G>T (NM_001363759.2); c.5719-234G>T (NM_003127.4); c.5674-234G>T (NM_001363765.2); c.5659-234G>T (NM_001195532.2).
Identifiers: ClinVar variation 677420 (VCV000677420.2), dbSNP rs117190550, ClinGen allele CA15587474.